The following is an entry in ClinVar:

NM_007118.4(TRIO):c.1762G>A (p.Ala588Thr)

Gene: TRIO (trio Rho guanine nucleotide exchange factor; plus strand). Cytogenetic location: 5p15.2.
Variant type: single nucleotide variant.
Coding change: c.1762G>A on transcript NM_007118.4 (MANE Select); coding-DNA position 1762, G replaced by A.
Protein change: p.Ala588Thr; replaces alanine 588 with threonine.
Molecular consequence: missense variant. On other transcripts: non-coding transcript variant (1).
Genome position (GRCh38, 1-based): chr5:14,330,808, G>A. VCF-style: chr5-14330808-G-A. GRCh37 (hg19) VCF-style: chr5-14330917-G-A.
Other names: short protein forms A588T.
Identifiers: ClinVar variation 5006851 (VCV005006851.2).

ClinVar aggregate classification (germline): Uncertain significance (1 of 4 stars; one submission).

Conditions:
Intellectual developmental disorder, autosomal dominant 44, with microcephaly. Also called: Micrognathia-recurrent infections-behavioral abnormalities-mild intellectual disability syndrome; TRIO-Related Intellectual Disability. Identifiers: Orphanet 476126, MedGen C4310740, MONDO:0014892, OMIM 617061.
Intellectual developmental disorder, autosomal dominant 63, with macrocephaly. Also called: MENTAL RETARDATION, AUTOSOMAL DOMINANT 63, WITH MACROCEPHALY. Identifiers: MedGen C5394205, MONDO:0032939, OMIM 618825.

gnomAD v4.1: 1 of 1,614,144 alleles (0.000062%); highest among the groups gnomAD compares: African/African-American, 0.0013%; no homozygotes.

Submission:

Juno Genomics, Hangzhou Juno Genomics, Inc
Classification: Uncertain significance for Intellectual developmental disorder, autosomal dominant 44, with microcephaly; Intellectual developmental disorder, autosomal dominant 63, with macrocephaly. Review status: criteria provided, single submitter. Criteria: ACMG Guidelines, 2015. Collection method: clinical testing. Allele origin: germline.
Comment: Absent from controls (or at extremely low frequency if recessive) in Genome Aggregation Database.;Missense variant in a gene that has a low rate of benign missense variation.